The following is an entry in ClinVar:

ClinVar aggregate classification (germline): Uncertain significance (1 of 4 stars; one submission).

Submission:

Labcorp Genetics (formerly Invitae), Labcorp
Classification: Uncertain significance. Last evaluated: 2020-10-07. Review status: criteria provided, single submitter. Criteria: Invitae Variant Classification Sherloc (09022015). Collection method: clinical testing. Allele origin: germline.
Comment: In summary, the available evidence is currently insufficient to determine the role of this variant in disease. Therefore, it has been classified as a Variant of Uncertain Significance. Algorithms developed to predict the effect of sequence changes on RNA splicing suggest that this variant may create or strengthen a splice site, but this prediction has not been confirmed by published transcriptional studies. Algorithms developed to predict the effect of missense changes on protein structure and function are either unavailable or do not agree on the potential impact of this missense change (SIFT: "Deleterious"; PolyPhen-2: "Benign"; Align-GVGD: "Class C0"). This variant has not been reported in the literature in individuals with RBP3-related conditions. This variant is not present in population databases (ExAC no frequency). This sequence change replaces methionine with valine at codon 1081 of the RBP3 protein (p.Met1081Val). The methionine residue is highly conserved and there is a small physicochemical difference between methionine and valine.

NM_002900.3(RBP3):c.3241A>G (p.Met1081Val)

Gene: RBP3 (retinol binding protein 3; plus strand). Cytogenetic location: 10q11.22.
Variant type: single nucleotide variant.
Coding change: c.3241A>G on transcript NM_002900.3 (MANE Select); coding-DNA position 3241, A replaced by G.
Protein change: p.Met1081Val; replaces methionine 1081 with valine.
Molecular consequence: missense variant.
Genome position (GRCh38, 1-based): chr10:47,353,511, A>G. VCF-style: chr10-47353511-A-G. GRCh37 (hg19) VCF-style: chr10-48385851-T-C.
Other names: short protein forms M1081V.
Identifiers: ClinVar variation 999777 (VCV000999777.8), dbSNP rs1395683742, ClinGen allele CA376676678.